The following is an entry in ClinVar:

ClinVar aggregate classification (germline): Likely benign. Review status: criteria provided, multiple submitters, no conflicts (2 of 4 stars). 2 submissions from 2 submitters: Likely benign (2). Last evaluated 2026-05-01.

Conditions:
Developmental and epileptic encephalopathy, 34 (DEE34). Also called: Early infantile epileptic encephalopathy 34; SLC12A5-Related Epilepsy of Infancy with Migrating Focal Seizures. Identifiers: Orphanet 293181, MedGen C4225257, MONDO:0014718, OMIM 616645.

Allele frequency attached by ClinVar (database versions not stated): gnomAD 0.00006 and 0.00008; gnomAD exomes 0.00010; TOPMed 0.00012; ExAC 0.00014; 1000 Genomes Project 30x 0.00016; 1000 Genomes Project 0.00020.
gnomAD v4.1: 67 of 1,613,698 alleles (0.0042%); highest among the groups gnomAD compares: Middle Eastern, 0.033%; no homozygotes.

Submissions (2):

CeGaT Center for Human Genetics Tuebingen
Classification: Likely benign. Last evaluated: 2026-05-01. Review status: criteria provided, single submitter. Criteria: CeGaT Center For Human Genetics Tuebingen Variant Classification Criteria Version 2. Collection method: clinical testing. Allele origin: germline. Affected: yes. Observed: 1 variant allele.
Comment: SLC12A5: BP4, BP7

Labcorp Genetics (formerly Invitae), Labcorp
Classification: Likely benign for Developmental and epileptic encephalopathy, 34. Last evaluated: 2025-11-13. Review status: criteria provided, single submitter. Criteria: Invitae Variant Classification Sherloc (09022015). Collection method: clinical testing. Allele origin: germline.

NM_020708.5(SLC12A5):c.2961G>A (p.Pro987=)

Gene: SLC12A5 (solute carrier family 12 member 5; plus strand). Cytogenetic location: 20q13.12.
Variant type: single nucleotide variant.
Coding change: c.2961G>A on transcript NM_020708.5 (MANE Select); coding-DNA position 2961, G replaced by A.
Protein change: p.Pro987=; no amino-acid change (proline 987 retained).
Molecular consequence: synonymous variant.
Genome position (GRCh38, 1-based): chr20:46,056,415, G>A. VCF-style: chr20-46056415-G-A. GRCh37 (hg19) VCF-style: chr20-44685054-G-A.
Other names: c.3030G>A, p.Pro1010= (NM_001134771.2).
Identifiers: ClinVar variation 1121969 (VCV001121969.9), dbSNP rs550491448, ClinGen allele CA9887757.